The following is an entry in ClinVar:

NM_001378615.1(CC2D2A):c.4522del (p.Ile1508fs)

Genes: CC2D2A (coiled-coil and C2 domain containing 2A; plus strand), FBXL5 (F-box and leucine rich repeat protein 5; minus strand). Cytogenetic location: 4p15.32.
Variant type: Deletion.
Coding change: c.4522del on transcript NM_001378615.1 (MANE Select); coding-DNA position 4522, one base deleted (A; older notation c.4522delA).
Protein change: p.Ile1508fs; shifts the reading frame from isoleucine 1508.
Molecular consequence: frameshift variant.
Genome position (GRCh38, 1-based): chr4:15,599,554, A deleted; the last of 6 consecutive A bases (chr4:15,599,549-15,599,554); deleting any one gives the same sequence. VCF-style (leftmost placement, unchanged base first): chr4-15599548-GA-G. GRCh37 (hg19) VCF-style: chr4-15601171-GA-G.
Other names: c.4522del, p.Ile1508fs (NM_001080522.2); c.4375del, p.Ile1459fs (NM_001378617.1); c.4522delA (NM_001080522.2); short protein forms I1459fs, I1508fs.
Identifiers: ClinVar variation 1427276 (VCV001427276.10), dbSNP rs775292940, ClinGen allele CA92536344.
Genomic context (GRCh38, chr4:15,599,548, plus strand): 5'-AAGTGAGTCACCAAAAAATGGAATTTATGTTTTGTGAACAGGATTGAAAAAATACTAAAA[GA>G]AAAAATCATGGACTGGAGGCCACGCCATCTGACTCGGTGGAATAGGTATTGTACCTCTAC-3'

ClinVar aggregate classification (germline): Pathogenic/Likely pathogenic. Review status: criteria provided, multiple submitters, no conflicts (2 of 4 stars). 5 submissions from 5 submitters: Pathogenic (4); Likely pathogenic (1). Last evaluated 2026-06-22.

Conditions:
Joubert syndrome and related disorders. Identifiers: Orphanet 140874, MedGen C5679612, MONDO:0015369.
COACH syndrome 2. Identifiers: MedGen C5436837, MONDO:0030859, OMIM 619111.
Meckel syndrome, type 6. Identifiers: Orphanet 564, MedGen C2676790, MONDO:0012848, OMIM 612284.
Retinitis pigmentosa 93. Identifiers: MedGen C5676970, MONDO:0030797, OMIM 619845.
Joubert syndrome 9 (JBTS9). Identifiers: Orphanet 2318, MedGen C2676788, MONDO:0012849, OMIM 612285.
Joubert syndrome. Also called: JOUBERT-BOLTSHAUSER SYNDROME; Familial aplasia of the vermis. Identifiers: Orphanet 475, MedGen C5979921, MONDO:0018772.
Meckel-Gruber syndrome. Also called: DYSENCEPHALIA SPLANCHNOCYSTICA; GRUBER SYNDROME; Dysencephalia splachnocystica. Identifiers: Orphanet 564, MedGen C0265215, MONDO:0018921.
CC2D2A-related disorder. Also called: CC2D2A-related disorders; CC2D2A-related condition. Identifiers: MedGen CN239313.

Submissions (5):

Myriad Genetics, Inc.
Classification: Pathogenic for Joubert syndrome and related disorders. Last evaluated: 2026-06-22. Review status: criteria provided, single submitter. Criteria: Myriad Autosomal Dominant, Autosomal Recessive and X-Linked Classification Criteria (2023). Collection method: clinical testing. Allele origin: unknown.
Comment: NM_001080522.2(CC2D2A):c.4522delA(I1508Sfs*9) is a frameshift variant classified as pathogenic in the context of CC2D2A-related disorders. I1508Sfs*9 has not been observed in cases with relevant disease. Relevant functional assessments of this variant are not available in the literature. I1508Sfs*9 has not been observed in referenced population frequency databases. In summary, NM_001080522.2(CC2D2A):c.4522delA(I1508Sfs*9) is a frameshift variant in a gene where loss of function is a known mechanism of disease and is predicted to disrupt protein function. Please note: this variant was assessed in the context of healthy population screening.

Women's Health and Genetics/Laboratory Corporation of America, LabCorp
Classification: Pathogenic for CC2D2A-Related Disorders. Last evaluated: 2025-09-15. Review status: criteria provided, single submitter. Criteria: LabCorp Variant Classification Summary - May 2015. Collection method: clinical testing. Allele origin: germline.
Comment: Variant summary: CC2D2A c.4522delA (p.Ile1508SerfsX9) results in a premature termination codon, predicted to cause absence of the protein due to nonsense mediated decay, which is a commonly known mechanisms for disease. The variant was absent in 31314 control chromosomes. To our knowledge, no occurrence of c.4522delA in individuals affected with CC2D2A-related conditions and no experimental evidence demonstrating its impact on protein function have been reported. The following publication has been ascertained in the context of this evaluation (PMID: 31964843). ClinVar contains an entry for this variant (Variation ID: 1427276). Based on the evidence outlined above, the variant was classified as pathogenic.

3billion
Classification: Pathogenic for Meckel syndrome, type 6. Last evaluated: 2025-02-10. Review status: criteria provided, single submitter. Criteria: ACMG Guidelines, 2015. Collection method: clinical testing. Allele origin: germline. Affected: yes.
Comment: The variant is observed at an extremely low frequency in the gnomAD v4.1.0 dataset (total allele frequency: <0.001%). Predicted Consequence/Location: Frameshift: predicted to result in a loss or disruption of normal protein function through nonsense-mediated decay (NMD) or protein truncation. Multiple pathogenic variants are reported downstream of the variant. The variant has been reported at least twice as pathogenic without evidence for the classification (ClinVar ID: VCV001427276). Therefore, this variant is classified as Pathogenic according to the recommendation of ACMG/AMP guideline.

Labcorp Genetics (formerly Invitae), Labcorp
Classification: Pathogenic for Joubert syndrome; Meckel-Gruber syndrome. Last evaluated: 2024-07-04. Review status: criteria provided, single submitter. Criteria: Invitae Variant Classification Sherloc (09022015). Collection method: clinical testing. Allele origin: germline.
Comment: This sequence change creates a premature translational stop signal (p.Ile1508Serfs*9) in the CC2D2A gene. It is expected to result in an absent or disrupted protein product. Loss-of-function variants in CC2D2A are known to be pathogenic (PMID: 19777577). This variant is present in population databases (no rsID available, gnomAD 0.007%). This variant has not been reported in the literature in individuals affected with CC2D2A-related conditions. ClinVar contains an entry for this variant (Variation ID: 1427276). For these reasons, this variant has been classified as Pathogenic.

Fulgent Genetics
Classification: Likely pathogenic for Meckel syndrome, type 6; Joubert syndrome 9; COACH syndrome 2; Retinitis pigmentosa 93. Last evaluated: 2024-04-20. Review status: criteria provided, single submitter. Criteria: ACMG Guidelines, 2015. Collection method: clinical testing. Allele origin: germline.

Literature cited by the submitters: PubMed 31964843 (cited by Women's Health and Genetics/Laboratory Corporation of America, LabCorp); PubMed 19777577 (cited by Labcorp Genetics (formerly Invitae), Labcorp).